The following is an entry in ClinVar:

ClinVar aggregate classification (germline): Benign/Likely benign. Review status: criteria provided, multiple submitters, no conflicts (2 of 4 stars). 7 submissions from 7 submitters: Benign (4); Likely benign (2). 1 of the submissions does not count toward it. Last evaluated 2026-01-05.

Conditions:
AHDC1-related disorder. Also called: AHDC1-related condition.
AHDC1-related intellectual disability - obstructive sleep apnea - mild dysmorphism syndrome. Also called: Xia-Gibbs syndrome. Identifiers: Orphanet 412069, MedGen C4014419, MONDO:0014358, OMIM 615829.

Allele frequency attached by ClinVar (database versions not stated): 1000 Genomes Project 30x 0.00031; 1000 Genomes Project 0.00040; gnomAD exomes 0.00171; gnomAD 0.00177; ExAC 0.00181; TOPMed 0.00181; ESP Exome Variant Server 0.00331.
gnomAD v4.1: 4,781 of 1,613,808 alleles (0.3%); highest among the groups gnomAD compares: Non-Finnish European, 0.38%; 11 homozygotes.

Submissions (7):

Labcorp Genetics (formerly Invitae), Labcorp
Classification: Benign. Last evaluated: 2026-01-05. Review status: criteria provided, single submitter. Criteria: Invitae Variant Classification Sherloc (09022015). Collection method: clinical testing. Allele origin: germline.

Blueprint Genetics
Classification: Likely benign. Last evaluated: 2024-11-26. Review status: criteria provided, single submitter. Criteria: ACMG Guidelines, 2015. Collection method: clinical testing. Allele origin: germline.

CeGaT Center for Human Genetics Tuebingen
Classification: Benign. Last evaluated: 2024-03-01. Review status: criteria provided, single submitter. Criteria: CeGaT Center For Human Genetics Tuebingen Variant Classification Criteria Version 2. Collection method: clinical testing. Allele origin: germline. Affected: yes. Observed: 4 variant alleles.
Comment: AHDC1: BS1, BS2

Genome-Nilou Lab
Classification: Benign for AHDC1-related intellectual disability - obstructive sleep apnea - mild dysmorphism syndrome. Last evaluated: 2021-12-05. Review status: criteria provided, single submitter. Criteria: ACMG Guidelines, 2015. Collection method: clinical testing. Allele origin: germline. Affected: no.

GeneDx
Classification: Benign. Last evaluated: 2019-03-21. Review status: criteria provided, single submitter. Criteria: GeneDx Variant Classification Process June 2021. Collection method: clinical testing. Allele origin: germline. Affected: yes.

Center for Pediatric Genomic Medicine, Children's Mercy Hospital and Clinics
Classification: Likely benign. Last evaluated: 2016-06-16. Review status: criteria provided, single submitter. Criteria: ACMG Guidelines, 2015. Collection method: clinical testing. Allele origin: germline.
ClinVar note: Converted during submission from Likely Benign to Likely benign.

PreventionGenetics, part of Exact Sciences
Classification: Likely benign for AHDC1-related condition. Last evaluated: 2019-09-06. Review status: no assertion criteria provided. Collection method: clinical testing. Allele origin: germline. Not counted in ClinVar's aggregate classification.
Comment: This variant is classified as likely benign based on ACMG/AMP sequence variant interpretation guidelines (Richards et al. 2015 PMID: 25741868, with internal and published modifications).

NM_001371928.1(AHDC1):c.1510G>A (p.Val504Met)

Gene: AHDC1 (AT-hook DNA binding motif containing 1; minus strand). Cytogenetic location: 1p36.11.
Variant type: single nucleotide variant.
Coding change: c.1510G>A on transcript NM_001371928.1 (MANE Select); coding-DNA position 1510, G replaced by A.
Protein change: p.Val504Met; replaces valine 504 with methionine.
Molecular consequence: missense variant.
Genome position (GRCh38, 1-based): chr1:27,550,606, C>T on the plus strand (G>A on the coding strand, the complement: AHDC1 is on the minus strand). VCF-style: chr1-27550606-C-T. GRCh37 (hg19) VCF-style: chr1-27877117-C-T.
Other names: c.1510G>A, p.Val504Met (NM_001029882.3); c.1510G>A (NM_001029882.2); short protein forms V504M.
Identifiers: ClinVar variation 377281 (VCV000377281.45), dbSNP rs143346525, ClinGen allele CA715935.